The following is an entry in ClinVar:

ClinVar aggregate classification (germline): Uncertain significance (1 of 4 stars; one submission).

Allele frequency attached by ClinVar (database versions not stated): TOPMed below 0.00001; ExAC 0.00001; gnomAD 0.00001; gnomAD exomes 0.00001.
gnomAD v4.1: 6 of 1,614,074 alleles (0.00037%); highest among the groups gnomAD compares: South Asian, 0.0011%; no homozygotes.

Submission:

Labcorp Genetics (formerly Invitae), Labcorp
Classification: Uncertain significance. Last evaluated: 2025-07-28. Review status: criteria provided, single submitter. Criteria: Invitae Variant Classification Sherloc (09022015). Collection method: clinical testing. Allele origin: germline.
Comment: This sequence change replaces isoleucine, which is neutral and non-polar, with threonine, which is neutral and polar, at codon 959 of the TRPM1 protein (p.Ile959Thr). This variant is present in population databases (rs758351673, gnomAD 0.003%). This variant has not been reported in the literature in individuals affected with TRPM1-related conditions. ClinVar contains an entry for this variant (Variation ID: 933972). Invitae Evidence Modeling of protein sequence and biophysical properties (such as structural, functional, and spatial information, amino acid conservation, physicochemical variation, residue mobility, and thermodynamic stability) has been performed for this missense variant. However, the output from this modeling did not meet the statistical confidence thresholds required to predict the impact of this variant on TRPM1 protein function. In summary, the available evidence is currently insufficient to determine the role of this variant in disease. Therefore, it has been classified as a Variant of Uncertain Significance.

NM_001252024.2(TRPM1):c.2942T>C (p.Ile981Thr)

Genes: TRPM1 (transient receptor potential cation channel subfamily M member 1; minus strand), TRPM1-AS1 (TRPM1 antisense RNA 1; plus strand). Cytogenetic location: 15q13.3.
Variant type: single nucleotide variant.
Coding change: c.2942T>C on transcript NM_001252024.2 (MANE Select); coding-DNA position 2942, T replaced by C.
Protein change: p.Ile981Thr; replaces isoleucine 981 with threonine.
Molecular consequence: missense variant.
Genome position (GRCh38, 1-based): chr15:31,032,699, A>G on the plus strand (T>C on the coding strand, the complement: TRPM1 is on the minus strand). VCF-style: chr15-31032699-A-G. GRCh37 (hg19) VCF-style: chr15-31324902-A-G.
Other names: c.2993T>C, p.Ile998Thr (NM_001252020.2); c.2876T>C, p.Ile959Thr (NM_002420.6); short protein forms I981T, I959T, I998T.
Identifiers: ClinVar variation 933972 (VCV000933972.9), dbSNP rs758351673, ClinGen allele CA7452040.